The following is an entry in ClinVar:

ClinVar aggregate classification (germline): Uncertain significance (1 of 4 stars; one submission).

Submission:

Mayo Clinic Laboratories, Mayo Clinic
Classification: Uncertain significance. Last evaluated: 2024-12-17. Review status: criteria provided, single submitter. Criteria: ACMG Guidelines, 2015. Collection method: clinical testing. Allele origin: germline. Observed: 1 variant allele.
Comment: PM2_supporting, PM4

NM_000186.4(CFH):c.2286_2288del (p.Glu763del)

Gene: CFH (complement factor H; plus strand). Cytogenetic location: 1q31.3.
Variant type: Deletion.
Coding change: c.2286_2288del on transcript NM_000186.4 (MANE Select); coding-DNA positions 2286 to 2288, 3 bases deleted (GGA; older notation c.2286_2288delGGA).
Protein change: p.Glu763del; deletes glutamic acid 763.
Molecular consequence: inframe deletion.
Genome position (GRCh38, 1-based): chr1:196,728,395-196,728,397, GGA deleted; deleting any 3 consecutive bases within chr1:196,728,393-196,728,397 gives the same sequence; the c. name uses the placement nearest the transcript's 3' end. VCF-style (leftmost placement, unchanged base first): chr1-196728392-TGAG-T. GRCh37 (hg19) VCF-style: chr1-196697522-TGAG-T.
Other names: p.Glu763del; short protein forms E763del.
Identifiers: ClinVar variation 4542017 (VCV004542017.1).